The following is an entry in ClinVar:

NM_002354.3(EPCAM):c.866C>G (p.Ser289Cys)

Gene: EPCAM (epithelial cell adhesion molecule; plus strand). Cytogenetic location: 2p21.
Variant type: single nucleotide variant.
Coding change: c.866C>G on transcript NM_002354.3 (MANE Select); coding-DNA position 866, C replaced by G.
Protein change: p.Ser289Cys; replaces serine 289 with cysteine.
Molecular consequence: missense variant.
Genome position (GRCh38, 1-based): chr2:47,385,173, C>G. VCF-style: chr2-47385173-C-G. GRCh37 (hg19) VCF-style: chr2-47612312-C-G.
Other names: short protein forms S289C.
Identifiers: ClinVar variation 3509152 (VCV003509152.1).
Genomic context (GRCh38, chr2:47,385,173, plus strand): 5'-AATCTTTTTTTGAATAGCAGTCCTAAAACAATAGTTGTCTTTCTTCCACTCAGGTTATTT[C>G]CAGAAAGAAGAGAATGGCAAAGTATGAGAAGGCTGAGGTAAATGGATTACTTACCTAAAT-3'
Protein context (NP_002345.2, residues 279-299): VVAGIVVLVI[Ser289Cys]RKKRMAKYEK

ClinVar aggregate classification (germline): Uncertain significance (1 of 4 stars; one submission).

Conditions:
Hereditary cancer-predisposing syndrome. Also called: Tumor predisposition; Neoplastic Syndromes, Hereditary; Hereditary Cancer Syndrome; Hereditary neoplastic syndrome. Identifiers: Orphanet 140162, MedGen C0027672, MeSH D009386, MONDO:0015356.

Submission:

Ambry Genetics
Classification: Uncertain significance for Hereditary cancer-predisposing syndrome. Last evaluated: 2024-11-18. Review status: criteria provided, single submitter. Criteria: Ambry Variant Classification Scheme 2023. Collection method: clinical testing. Allele origin: germline.
Comment: The p.S289C variant (also known as c.866C>G), located in coding exon 8 of the EPCAM gene, results from a C to G substitution at nucleotide position 866. The serine at codon 289 is replaced by cysteine, an amino acid with dissimilar properties. This amino acid position is conserved. In addition, the in silico prediction for this alteration is inconclusive. Based on the available evidence, the clinical significance of this variant remains unclear.